The following is an entry in ClinVar:

ClinVar aggregate classification (germline): Uncertain significance (1 of 4 stars; one submission).

Submission:

GeneDx
Classification: Uncertain significance. Last evaluated: 2026-03-30. Review status: criteria provided, single submitter. Criteria: GeneDx Variant Classification Process June 2021. Collection method: clinical testing. Allele origin: germline.
Comment: Not observed at significant frequency in large population cohorts (gnomAD); In silico analysis supports that this missense variant has a deleterious effect on protein structure/function; Has not been previously published as pathogenic or benign to our knowledge

NM_031407.7(HUWE1):c.3604T>G (p.Trp1202Gly)

Gene: HUWE1 (HECT, UBA and WWE domain containing E3 ubiquitin protein ligase 1; minus strand). Cytogenetic location: Xp11.22.
Variant type: single nucleotide variant.
Coding change: c.3604T>G on transcript NM_031407.7 (MANE Select); coding-DNA position 3604, T replaced by G.
Protein change: p.Trp1202Gly; replaces tryptophan 1202 with glycine.
Molecular consequence: missense variant.
Genome position (GRCh38, 1-based): chrX:53,593,501, A>C on the plus strand (T>G on the coding strand, the complement: HUWE1 is on the minus strand). VCF-style: chrX-53593501-A-C. GRCh37 (hg19) VCF-style: chrX-53620461-A-C.
Other names: c.3604T>G, p.Trp1202Gly (NM_001441048.1, NM_001441049.1, NM_001441051.1 and 6 more transcripts); c.3625T>G, p.Trp1209Gly (NM_001441050.1, NM_001441055.1); short protein forms W1202G, W1209G.
Identifiers: ClinVar variation 5017639 (VCV005017639.1).